The following is an entry in ClinVar:

NM_001148.6(ANK2):c.5438T>C (p.Leu1813Pro)

Genes: ANK2 (ankyrin 2; plus strand), LOC126807136 (MED14-independent group 3 enhancer GRCh37_chr4:114274931-114276130; plus strand). Cytogenetic location: 4q26.
Variant type: single nucleotide variant.
Coding change: c.5438T>C on transcript NM_001148.6 (MANE Select); coding-DNA position 5438, T replaced by C.
Protein change: p.Leu1813Pro; replaces leucine 1813 with proline.
Molecular consequence: missense variant. On other transcripts: intron variant (68).
Genome position (GRCh38, 1-based): chr4:113,354,056, T>C. VCF-style: chr4-113354056-T-C. GRCh37 (hg19) VCF-style: chr4-114275212-T-C.
Other names: c.5204T>C, p.Leu1735Pro (NM_001386142.1); c.1838T>C, p.Leu613Pro (NM_001386166.1); c.5579T>C, p.Leu1860Pro (NM_001386174.1); c.5555T>C, p.Leu1852Pro (NM_001386175.1); c.4411+3807T>C (NM_001386186.2, NM_001386148.2); c.4213+3807T>C (NM_001354269.3); c.4291+3807T>C (NM_001386187.2); c.4252+3807T>C (NM_001386147.1); and 35 more; short protein forms L1813P, L1735P, L1852P, L1860P, L613P.
Identifiers: ClinVar variation 457041 (VCV000457041.10), dbSNP rs1554552296, ClinGen allele CA357919505.

ClinVar aggregate classification (germline): Uncertain significance. Review status: criteria provided, multiple submitters, no conflicts (2 of 4 stars). 3 submissions from 3 submitters: Uncertain significance (3). Last evaluated 2024-03-07.

Conditions:
Cardiovascular phenotype. Identifiers: MedGen CN230736.
Long QT syndrome (LQTS). Identifiers: MedGen C0023976, MeSH D008133, MONDO:0002442. Disease mechanism: loss of function. Inheritance: Various modes of inheritance.

Allele frequency attached by ClinVar (database versions not stated): gnomAD exomes 0.00001; gnomAD 0.00004; TOPMed 0.00004.
gnomAD v4.1: 16 of 1,613,898 alleles (0.00099%); highest among the groups gnomAD compares: Admixed American, 0.01%; no homozygotes.

Submissions (3):

Ambry Genetics
Classification: Uncertain significance for Cardiovascular phenotype. Last evaluated: 2024-03-07. Review status: criteria provided, single submitter. Criteria: Ambry Variant Classification Scheme 2023. Collection method: clinical testing. Allele origin: germline.

Labcorp Genetics (formerly Invitae), Labcorp
Classification: Uncertain significance for Long QT syndrome. Last evaluated: 2023-02-16. Review status: criteria provided, single submitter. Criteria: Invitae Variant Classification Sherloc (09022015). Collection method: clinical testing. Allele origin: germline.
Comment: In summary, the available evidence is currently insufficient to determine the role of this variant in disease. Therefore, it has been classified as a Variant of Uncertain Significance. This sequence change replaces leucine, which is neutral and non-polar, with proline, which is neutral and non-polar, at codon 1813 of the ANK2 protein (p.Leu1813Pro). This variant is not present in population databases (gnomAD no frequency). This variant has not been reported in the literature in individuals affected with ANK2-related conditions. ClinVar contains an entry for this variant (Variation ID: 457041). Algorithms developed to predict the effect of missense changes on protein structure and function output the following: SIFT: "Not Available"; PolyPhen-2: "Benign"; Align-GVGD: "Not Available". The proline amino acid residue is found in multiple mammalian species, which suggests that this missense change does not adversely affect protein function.

GeneDx
Classification: Uncertain significance. Last evaluated: 2019-01-22. Review status: criteria provided, single submitter. Criteria: GeneDx Variant Classification Process June 2021. Collection method: clinical testing. Allele origin: germline. Affected: yes.
Comment: Not observed in large population cohorts (Lek et al., 2016; McVean et al., 2012; Exome Variant Server); In silico analysis, which includes protein predictors and evolutionary conservation, supports that this variant does not alter protein structure/function; Has not been previously published as pathogenic or benign to our knowledge; Reported as a variant of uncertain significance in ClinVar but additional evidence is not available (SCV000627653.1; Landrum et al., 2016)